The following is an entry in ClinVar:

ClinVar aggregate classification (germline): Pathogenic/Likely pathogenic. Review status: criteria provided, multiple submitters, no conflicts (2 of 4 stars). 3 submissions from 3 submitters: Pathogenic (1); Likely pathogenic (2). Last evaluated 2022-03-22.

Conditions:
Cardio-facio-cutaneous syndrome. Also called: Cardiofaciocutaneous syndrome; CFC syndrome. Identifiers: Orphanet 1340, MedGen C1275081, MONDO:0015280. Disease mechanism: gain of function.
Cardiofaciocutaneous syndrome 1 (CFC1). Also called: BRAF-Related Cardiofaciocutaneous Syndrome. Identifiers: Orphanet 1340, MedGen CN029449, MONDO:0007265, OMIM 115150. Disease mechanism: gain of function.
Neurodevelopmental delay. Identifiers: MedGen C4022738, HP:0012758.

Submissions (3):

3billion
Classification: Likely pathogenic for Cardiofaciocutaneous syndrome 1. Last evaluated: 2022-03-22. Review status: criteria provided, single submitter. Criteria: ACMG Guidelines, 2015. Collection method: clinical testing. Allele origin: germline. Affected: yes. Observed: 1 heterozygote.
Comment: Same nucleotide change resulting in same amino acid change has been previously reported to be associated with [GeneName] related disorder (ClinVar ID: VCV000044805, PMID:24800029). A different missense change at the same codon has been reported as pathogenic/likely pathogenic with strong evidence (ClinVar ID: VCV000636502). The variant is located in a mutational hot spot and/or well-established functional domain in which established pathogenic variants have been reported. In silico tool predictions suggest damaging effect of the variant on gene or gene product (REVEL: 0.99>=0.6). A missense variant is a common mechanism . It is not observed in the gnomAD v2.1.1 dataset. Therefore, this variant is classified as likely pathogenic according to the recommendation of ACMG/AMP guideline.

Laboratory for Molecular Medicine, Mass General Brigham Personalized Medicine
Classification: Likely pathogenic for Cardio-facio-cutaneous syndrome. Last evaluated: 2012-02-29. Review status: criteria provided, single submitter. Criteria: LMM Criteria. Collection method: clinical testing. Allele origin: germline. Observed: 1 variant allele.
Comment: The Ala481Glu variant has not been reported in the literature nor previously ide ntified by our laboratory. Computational analyses (biochemical am ino acid properties, conservation, PolyPhen2, SIFT, AlignGVGD) suggest that the Ala481Gln variant may impact the protein. In addition, this variant occurs with in the functionally important ATP binding pocket of the BRAF tyrosine kinase dom ain. In summary, this variant is likely to be pathogenic although further studi es could help establish the pathogenicity of this variant. The presence of a he terozygous pathogenic variant in BRAF is consistent with a diagnosis of cardio-f acio-cutaneous syndrome but this information should be reconciled with the compl ete clinical history of this individual.

Centre de Biologie Pathologie Génétique, Centre Hospitalier Universitaire de Lille
Classification: Pathogenic for Neurodevelopmental delay. Review status: criteria provided, single submitter. Criteria: ACMG Guidelines, 2015. Collection method: clinical testing. Allele origin: de novo. Affected: yes.

Literature cited by the submitters: PubMed 24800029 (cited by 3billion).

NM_004333.6(BRAF):c.1442C>A (p.Ala481Glu)

Gene: BRAF (B-Raf proto-oncogene, serine/threonine kinase; minus strand). Cytogenetic location: 7q34.
Variant type: single nucleotide variant.
Coding change: c.1442C>A on transcript NM_004333.6 (MANE Select); coding-DNA position 1442, C replaced by A.
Protein change: p.Ala481Glu; replaces alanine 481 with glutamic acid.
Molecular consequence: missense variant.
Genome position (GRCh38, 1-based): chr7:140,778,066, G>T on the plus strand (C>A on the coding strand, the complement: BRAF is on the minus strand). VCF-style: chr7-140778066-G-T. GRCh37 (hg19) VCF-style: chr7-140477866-G-T.
Other names: c.1442C>A, p.Ala481Glu (NM_001354609.2, NM_001378468.1, NM_001378474.1); c.1562C>A, p.Ala521Glu (NM_001374244.1, NM_001374258.1); c.1451C>A, p.Ala484Glu (NM_001378467.1); c.1376C>A, p.Ala459Glu (NM_001378469.1); c.1340C>A, p.Ala447Glu (NM_001378470.1); c.1331C>A, p.Ala444Glu (NM_001378471.1); c.1286C>A, p.Ala429Glu (NM_001378472.1, NM_001378473.1); c.1178C>A, p.Ala393Glu (NM_001378475.1); short protein forms A481E, A393E, A444E, A459E, A521E, A447E, A484E, A429E.
Identifiers: ClinVar variation 44805 (VCV000044805.6), dbSNP rs397516892, ClinGen allele CA280004.
Genomic context (GRCh38, chr7:140,778,066, plus strand): 5'-TCATTTTTGAAGGCTTGTAACTGCTGAGGTGTAGGTGCTGTCACATTCAACATTTTCACT[G>T]CCACATCACCTAAAAGGCAATTGTTACTCCAAGTGTCATTTCAATTTTTAAAATTTAAAA-3'
Protein context (NP_004324.2, residues 471-491): VYKGKWHGDV[Ala481Glu]VKMLNVTAPT